The following is an entry in ClinVar:

ClinVar aggregate classification (germline): Uncertain significance. Review status: criteria provided, multiple submitters, no conflicts (2 of 4 stars). 2 submissions from 2 submitters: Uncertain significance (2). Last evaluated 2024-12-09.

Conditions:
Inborn genetic diseases. Identifiers: MedGen C0950123, MeSH D030342.

gnomAD v4.1: 1 of 1,613,932 alleles (0.000062%); highest among the groups gnomAD compares: Non-Finnish European, 0.000085%; no homozygotes.

Submissions (2):

Ambry Genetics
Classification: Uncertain significance for Inborn genetic diseases. Last evaluated: 2024-12-09. Review status: criteria provided, single submitter. Criteria: Ambry Variant Classification Scheme 2023. Collection method: clinical testing. Allele origin: germline.

GeneDx
Classification: Uncertain significance. Last evaluated: 2023-11-10. Review status: criteria provided, single submitter. Criteria: GeneDx Variant Classification Process June 2021. Collection method: clinical testing. Allele origin: germline. Affected: yes.
Comment: Not observed at significant frequency in large population cohorts (gnomAD); In silico analysis supports that this missense variant has a deleterious effect on protein structure/function; Has not been previously published as pathogenic or benign to our knowledge

NM_001352027.3(PHF21A):c.1268A>C (p.His423Pro)

Gene: PHF21A (PHD finger protein 21A; minus strand). Cytogenetic location: 11p11.2.
Variant type: single nucleotide variant.
Coding change: c.1268A>C on transcript NM_001352027.3 (MANE Select); coding-DNA position 1268, A replaced by C.
Protein change: p.His423Pro; replaces histidine 423 with proline.
Molecular consequence: missense variant. On other transcripts: non-coding transcript variant (2).
Genome position (GRCh38, 1-based): chr11:45,948,906, T>G on the plus strand (A>C on the coding strand, the complement: PHF21A is on the minus strand). VCF-style: chr11-45948906-T-G. GRCh37 (hg19) VCF-style: chr11-45970457-T-G.
Other names: c.1265A>C, p.His422Pro (NM_001101802.3, NM_001352030.3, NM_001352031.3 and 1 more transcripts); c.1268A>C, p.His423Pro (NM_001352025.3, NM_001352026.3, NM_001352028.1 and 2 more transcripts); c.1265A>C (NM_001101802.1); short protein forms H422P, H423P.
Identifiers: ClinVar variation 3364187 (VCV003364187.2).